The following is an entry in ClinVar:

ClinVar aggregate classification (germline): Conflicting classifications of pathogenicity. Review status: criteria provided, conflicting classifications (1 of 4 stars). 3 submissions from 3 submitters: Uncertain significance (2); Likely benign (1). Last evaluated 2025-12-30.

Allele frequency attached by ClinVar (database versions not stated): gnomAD exomes 0.00008; ExAC 0.00013; ESP Exome Variant Server 0.00015; 1000 Genomes Project 30x 0.00016; gnomAD 0.00019; 1000 Genomes Project 0.00020; TOPMed 0.00025.
gnomAD v4.1: 151 of 1,614,148 alleles (0.0094%); highest among the groups gnomAD compares: African/African-American, 0.061%; no homozygotes.

Submissions (3):

Labcorp Genetics (formerly Invitae), Labcorp
Classification: Uncertain significance. Last evaluated: 2025-12-30. Review status: criteria provided, single submitter. Criteria: Invitae Variant Classification Sherloc (09022015). Collection method: clinical testing. Allele origin: germline.
Comment: This sequence change replaces arginine, which is basic and polar, with glutamine, which is neutral and polar, at codon 536 of the NLRP1 protein (p.Arg536Gln). This variant is present in population databases (rs138756363, gnomAD 0.06%). This variant has not been reported in the literature in individuals affected with NLRP1-related conditions. ClinVar contains an entry for this variant (Variation ID: 2171054). An algorithm developed to predict the effect of missense changes on protein structure and function outputs the following: PolyPhen-2: "Benign". The glutamine amino acid residue is found in multiple mammalian species, which suggests that this missense change does not adversely affect protein function. In summary, the available evidence is currently insufficient to determine the role of this variant in disease. Therefore, it has been classified as a Variant of Uncertain Significance.

GeneDx
Classification: Uncertain significance. Last evaluated: 2024-12-14. Review status: criteria provided, single submitter. Criteria: GeneDx Variant Classification Process June 2021. Collection method: clinical testing. Allele origin: germline. Affected: yes.
Comment: In silico analysis indicates that this missense variant does not alter protein structure/function; Has not been previously published as pathogenic or benign to our knowledge

Blueprint Genetics
Classification: Likely benign. Last evaluated: 2024-09-18. Review status: criteria provided, single submitter. Criteria: ACMG Guidelines, 2015. Collection method: clinical testing. Allele origin: germline.

NM_033004.4(NLRP1):c.1607G>A (p.Arg536Gln)

Gene: NLRP1 (NLR family pyrin domain containing 1; minus strand). Cytogenetic location: 17p13.2.
Variant type: single nucleotide variant.
Coding change: c.1607G>A on transcript NM_033004.4 (MANE Select); coding-DNA position 1607, G replaced by A.
Protein change: p.Arg536Gln; replaces arginine 536 with glutamine.
Molecular consequence: missense variant.
Genome position (GRCh38, 1-based): chr17:5,559,089, C>T on the plus strand (G>A on the coding strand, the complement: NLRP1 is on the minus strand). VCF-style: chr17-5559089-C-T. GRCh37 (hg19) VCF-style: chr17-5462409-C-T.
Other names: c.1607G>A, p.Arg536Gln (NM_001033053.3, NM_014922.5, NM_033006.4 and 1 more transcripts); c.1607G>A (NM_033004.3); short protein forms R536Q.
Identifiers: ClinVar variation 2171054 (VCV002171054.6), dbSNP rs138756363, ClinGen allele CA8327351.
Genomic context (GRCh38, chr17:5,559,089, plus strand): 5'-GCAAGGTAATGTAGACAGAGGGTTGTGGTGGTCTTGGAAGTCAGTGTGAGTTTTTCCTTC[C>T]GCTTCATCTGCTGCATCAGGCAAGTGCAGGCCAGCCAGGACACCCAGGGCACAAGACACA-3'
Protein context (NP_127497.1, residues 526-546): ACTCLMQQMK[Arg536Gln]KEKLTLTSKT